The following is an entry in ClinVar:

ClinVar aggregate classification (germline): Uncertain significance. Review status: criteria provided, multiple submitters, no conflicts (2 of 4 stars). 2 submissions from 2 submitters: Uncertain significance (2). Last evaluated 2025-08-02.

Conditions:
Hereditary pancreatitis (PCTT). Also called: PRSS1-Related Hereditary Pancreatitis; Hereditary chronic pancreatitis. Identifiers: Orphanet 676, MedGen C0238339, MONDO:0008185, OMIM 167800.

Allele frequency attached by ClinVar (database versions not stated): TOPMed 0.00002; gnomAD 0.00003; ESP Exome Variant Server 0.00008.
gnomAD v4.1: 6 of 1,613,530 alleles (0.00037%); highest among the groups gnomAD compares: African/African-American, 0.0027%; no homozygotes.

Submissions (2):

Ambry Genetics
Classification: Uncertain significance for Hereditary pancreatitis. Last evaluated: 2025-08-02. Review status: criteria provided, single submitter. Criteria: Ambry Variant Classification Scheme 2023. Collection method: clinical testing. Allele origin: germline.
Comment: The p.G55W variant (also known as c.163G>T), located in coding exon 3 of the CPA1 gene, results from a G to T substitution at nucleotide position 163. The glycine at codon 55 is replaced by tryptophan, an amino acid with highly dissimilar properties. This amino acid position is not well conserved in available vertebrate species. In addition, this alteration is predicted to be tolerated by in silico analysis. Since supporting evidence is limited at this time, the clinical significance of this alteration remains unclear.

Labcorp Genetics (formerly Invitae), Labcorp
Classification: Uncertain significance. Last evaluated: 2025-05-12. Review status: criteria provided, single submitter. Criteria: Invitae Variant Classification Sherloc (09022015). Collection method: clinical testing. Allele origin: germline.
Comment: This sequence change replaces glycine, which is neutral and non-polar, with tryptophan, which is neutral and slightly polar, at codon 55 of the CPA1 protein (p.Gly55Trp). This variant is present in population databases (rs150333128, gnomAD 0.01%). This variant has not been reported in the literature in individuals affected with CPA1-related conditions. ClinVar contains an entry for this variant (Variation ID: 2622096). An algorithm developed to predict the effect of missense changes on protein structure and function (PolyPhen-2) suggests that this variant is likely to be tolerated. Experimental studies have shown that this missense change does not substantially affect CPA1 function (PMID: 29669919). In summary, the available evidence is currently insufficient to determine the role of this variant in disease. Therefore, it has been classified as a Variant of Uncertain Significance.

Literature cited by the submitters: PubMed 29669919 (cited by Labcorp Genetics (formerly Invitae), Labcorp).

NM_001868.4(CPA1):c.163G>T (p.Gly55Trp)

Gene: CPA1 (carboxypeptidase A1; plus strand). Cytogenetic location: 7q32.2.
Variant type: single nucleotide variant.
Coding change: c.163G>T on transcript NM_001868.4 (MANE Select); coding-DNA position 163, G replaced by T.
Protein change: p.Gly55Trp; replaces glycine 55 with tryptophan.
Molecular consequence: missense variant.
Genome position (GRCh38, 1-based): chr7:130,381,645, G>T. VCF-style: chr7-130381645-G-T. GRCh37 (hg19) VCF-style: chr7-130021486-G-T.
Other names: short protein forms G55W.
Identifiers: ClinVar variation 2622096 (VCV002622096.6), dbSNP rs150333128, ClinGen allele CA166885306.